The following is an entry in ClinVar:

ClinVar aggregate classification (germline): Uncertain significance. Review status: criteria provided, multiple submitters, no conflicts (2 of 4 stars). 3 submissions from 3 submitters: Uncertain significance (3). Last evaluated 2024-08-06.

Conditions:
Distal arthrogryposis type 5D (DA5D). Identifiers: Orphanet 329457, MedGen C3554415, MONDO:0014028, OMIM 615065.
Inborn genetic diseases. Identifiers: MedGen C0950123, MeSH D030342.

gnomAD v4.1: 18 of 1,612,236 alleles (0.0011%); highest among the groups gnomAD compares: South Asian, 0.0055%; no homozygotes.

Submissions (3):

Blueprint Genetics
Classification: Uncertain significance. Last evaluated: 2024-08-06. Review status: criteria provided, single submitter. Criteria: ACMG Guidelines, 2015. Collection method: clinical testing. Allele origin: germline.

Ambry Genetics
Classification: Uncertain significance for Inborn genetic diseases. Last evaluated: 2017-07-11. Review status: criteria provided, single submitter. Criteria: Ambry exome assertion method (8-5-2015). Collection method: clinical testing. Allele origin: germline. Affected: yes. Observed: 1 variant allele.

Neuberg Centre For Genomic Medicine, NCGM
Classification: Uncertain significance for Distal arthrogryposis type 5D. Review status: criteria provided, single submitter. Criteria: ACMG Guidelines, 2015. Collection method: clinical testing. Allele origin: germline. Inheritance: Autosomal recessive inheritance. Affected: yes.
Comment: The missense c.1700C>G p.Pro567Arg variant in the ECEL1 gene has not been reported previously as a pathogenic variant nor as a benign variant, to our knowledge. The variant is novel not in any individuals in gnomAD Exomes and 1000 Genomes. This variant has been reported to the ClinVar database as Uncertain Significance. However, no details are available for independent assessment. The amino acid Proline at position 567 is changed to a Arginine changing protein sequence and it might alter its composition and physico-chemical properties. The variant is predicted as damaging by SIFT. The amino acid change p.Pro567Arg in ECEL1 is predicted as conserved by GERP++ and PhyloP across 100 vertebrates. For these reasons, this variant has been classified as Uncertain Significance.

NM_004826.4(ECEL1):c.1700C>G (p.Pro567Arg)

Gene: ECEL1 (endothelin converting enzyme like 1; minus strand). Cytogenetic location: 2q37.1.
Variant type: single nucleotide variant.
Coding change: c.1700C>G on transcript NM_004826.4 (MANE Select); coding-DNA position 1700, C replaced by G.
Protein change: p.Pro567Arg; replaces proline 567 with arginine.
Molecular consequence: missense variant.
Genome position (GRCh38, 1-based): chr2:232,482,594, G>C on the plus strand (C>G on the coding strand, the complement: ECEL1 is on the minus strand). VCF-style: chr2-232482594-G-C. GRCh37 (hg19) VCF-style: chr2-233347304-G-C.
Other names: c.1694C>G, p.Pro565Arg (NM_001290787.2); short protein forms P567R, P565R.
Identifiers: ClinVar variation 521848 (VCV000521848.6), dbSNP rs183806308, ClinGen allele CA2167160.